The following is an entry in ClinVar:

ClinVar aggregate classification (germline): Uncertain significance. Review status: criteria provided, multiple submitters, no conflicts (2 of 4 stars). 3 submissions from 3 submitters: Uncertain significance (2). 1 of the submissions does not count toward it. Last evaluated 2024-07-14.

Conditions:
Retinitis pigmentosa 25 (RP25). Identifiers: Orphanet 791, MedGen C1864446, MONDO:0011272, OMIM 602772.

Allele frequency attached by ClinVar (database versions not stated): gnomAD exomes below 0.00001; gnomAD 0.00003 and 0.00004; TOPMed 0.00005.
gnomAD v4.1: 9 of 1,525,350 alleles (0.00059%); highest among the groups gnomAD compares: African/African-American, 0.012%; no homozygotes.

Submissions (3):

Blueprint Genetics
Classification: Uncertain significance. Last evaluated: 2024-07-14. Review status: criteria provided, single submitter. Criteria: ACMG Guidelines, 2015. Collection method: clinical testing. Allele origin: germline.

Labcorp Genetics (formerly Invitae), Labcorp
Classification: Uncertain significance. Last evaluated: 2022-09-27. Review status: criteria provided, single submitter. Criteria: Invitae Variant Classification Sherloc (09022015). Collection method: clinical testing. Allele origin: germline.
Comment: This sequence change replaces glutamic acid, which is acidic and polar, with valine, which is neutral and non-polar, at codon 1062 of the EYS protein (p.Glu1062Val). This variant is present in population databases (no rsID available, gnomAD 0.05%). This variant has not been reported in the literature in individuals affected with EYS-related conditions. ClinVar contains an entry for this variant (Variation ID: 1026855). Algorithms developed to predict the effect of missense changes on protein structure and function output the following: SIFT: "Tolerated"; PolyPhen-2: "Benign"; Align-GVGD: "Class C0". The valine amino acid residue is found in multiple mammalian species, which suggests that this missense change does not adversely affect protein function. In summary, the available evidence is currently insufficient to determine the role of this variant in disease. Therefore, it has been classified as a Variant of Uncertain Significance.

Natera, Inc.
Classification: Uncertain significance for Retinitis pigmentosa type 25. Last evaluated: 2020-09-15. Review status: no assertion criteria provided. Collection method: clinical testing. Allele origin: germline. Not counted in ClinVar's aggregate classification.

NM_001142800.2(EYS):c.3185A>T (p.Glu1062Val)

Gene: EYS (EGF-like photoreceptor maintenance factor; minus strand). Cytogenetic location: 6q12.
Variant type: single nucleotide variant.
Coding change: c.3185A>T on transcript NM_001142800.2 (MANE Select); coding-DNA position 3185, A replaced by T.
Protein change: p.Glu1062Val; replaces glutamic acid 1062 with valine.
Molecular consequence: missense variant.
Genome position (GRCh38, 1-based): chr6:64,821,703, T>A on the plus strand (A>T on the coding strand, the complement: EYS is on the minus strand). VCF-style: chr6-64821703-T-A. GRCh37 (hg19) VCF-style: chr6-65531596-T-A.
Other names: c.3185A>T, p.Glu1062Val (NM_001292009.2); short protein forms E1062V.
Identifiers: ClinVar variation 1026855 (VCV001026855.6), dbSNP rs888286822, ClinGen allele CA140369104.